The following is an entry in ClinVar:

NM_000545.8(HNF1A):c.827C>A (p.Ala276Asp)

Gene: HNF1A (HNF1 homeobox A; plus strand). Cytogenetic location: 12q24.31.
Variant type: single nucleotide variant.
Coding change: c.827C>A on transcript NM_000545.8 (MANE Select); coding-DNA position 827, C replaced by A.
Protein change: p.Ala276Asp; replaces alanine 276 with aspartic acid.
Molecular consequence: missense variant.
Genome position (GRCh38, 1-based): chr12:120,994,277, C>A. VCF-style: chr12-120994277-C-A. GRCh37 (hg19) VCF-style: chr12-121432080-C-A.
Other names: NM_000545.8(HNF1A):c.827C>A; c.827C>A, p.Ala276Asp (NM_001306179.2); c.827C>A (NM_000545.6); short protein forms A276D.
Identifiers: ClinVar variation 14945 (VCV000014945.13), dbSNP rs137853245, ClinGen allele CA124481.
Genomic context (GRCh38, chr12:120,994,277, plus strand): 5'-CCAACCTCGTCACGGAGGTGCGTGTCTACAACTGGTTTGCCAACCGGCGCAAAGAAGAAG[C>A]CTTCCGGCACAAGCTGGCCATGGACACGTACAGCGGGCCCCCCCCAGGGCCAGGCCCGGG-3'
Protein context (NP_000536.6, residues 266-286): NWFANRRKEE[Ala276Asp]FRHKLAMDTY

ClinVar aggregate classification (germline): Pathogenic. Review status: reviewed by expert panel (3 of 4 stars). 7 submissions from 7 submitters: Pathogenic (1). 6 of the submissions do not count toward it. Last evaluated 2022-04-18.

Conditions:
Monogenic diabetes. Identifiers: Orphanet 183625, MedGen C3888631, MONDO:0015967.
Hyperinsulinism due to HNF1A deficiency. Identifiers: Orphanet 324575, MedGen C4303475, MONDO:0017935.
Maturity-onset diabetes of the young type 3. Also called: MODY type 3; MODY, type III. Identifiers: Orphanet 552, MedGen C1838100, MeSH C563933, MONDO:0010894, OMIM 600496. Disease mechanism: loss of function.

Allele frequency attached by ClinVar (database versions not stated): ExAC 0.00001.
gnomAD v4.1: 2 of 1,613,406 alleles (0.00012%); highest among the groups gnomAD compares: African/African-American, 0.0027%; no homozygotes.

Submissions (7):

ClinGen Monogenic Diabetes Variant Curation Expert Panel
Classification: Pathogenic for Monogenic diabetes. Last evaluated: 2022-04-18. Review status: reviewed by expert panel. Criteria: ClinGen Diabetes ACMG Specifications v1 1. Collection method: curation. Allele origin: germline. Inheritance: Autosomal dominant inheritance.
Comment: The c.827C>A variant in the HNF1 homeobox A gene, HNF1A, causes an amino acid change of alanine to aspartic acid at codon 276 (p.(Ala276Asp)) of NM_000545.8. This variant is located within a conserved region of the DNA binding domain (107-174 and 201-280) of HNF1A, which is defined as critical for the protein’s function by the ClinGen MDEP (PM1_Supporting). Additionally, this variant is predicted to be deleterious by computational evidence, with a REVEL score of 0.956, which is greater than the MDEP VCEP threshold of 0.70 (PP3). This variant was identified in two individuals with a clinical history highly specific for HNF1A-MODY (MODY probability calculator result >50%, negative genetic testing for HNF4A, antibody-negative, and response to low-dose sulfonylurea (PP4_Moderate, internal lab contributors). Another missense variant, c.827C>G (p.Ala276Gly), has been classified as likely pathogenic by the ClinGen MDEP (PM5_Supporting). Also, the variant segregated with diabetes, with four informative meioses in two families with MODY (PP1_Strong; internal lab contributors). Functional studies demonstrated abnormal nuclear localization, DNA binding less than 40% of wildtype, and normal transactivation (PS3_Supporting; PMID:12574234). This variant is absent from the gnomAD European non-Finnish population, but two copies are present in the African population; therefore PM2_Supporting cannot be applied. This variant was identified in at least 12 unrelated individuals with non- autoimmune and non-absolute/near-absolute insulin-deficient diabetes; however, PS4 cannot be applied because the variant MAF in gnomAD is above the ClinGen MDEP PM2_Supporting cutoff (PMID: 12574234, internal lab contributors). In summary, c.827C>A meets the criteria to be classified as pathogenic for monogenic diabetes. ACMG/AMP criteria applied, as specified by the ClinGen MDEP (specification version 1.1, approved 9/30/2021): PP1_Strong, PP4_Moderate, PP3, PM1_Supporting, PM5_Supporting, PS3_Supporting.

GeneDx
Classification: Likely pathogenic. Last evaluated: 2026-01-27. Review status: criteria provided, single submitter. Criteria: GeneDx Variant Classification Process June 2021. Collection method: clinical testing. Allele origin: germline. Affected: yes. Not counted in ClinVar's aggregate classification.
Comment: In silico analysis supports that this missense variant has a deleterious effect on protein structure/function; This variant is associated with the following publications: (PMID: 29101032, 18003757, 23348805, 34108472, 34789499, 36257325, 12574234, 36504295, 32910913, 12453420)

Labcorp Genetics (formerly Invitae), Labcorp
Classification: Likely pathogenic. Last evaluated: 2024-12-18. Review status: criteria provided, single submitter. Criteria: Invitae Variant Classification Sherloc (09022015). Collection method: clinical testing. Allele origin: germline. Not counted in ClinVar's aggregate classification.
Comment: This sequence change replaces alanine, which is neutral and non-polar, with aspartic acid, which is acidic and polar, at codon 276 of the HNF1A protein (p.Ala276Asp). The frequency data for this variant in the population databases is considered unreliable, as metrics indicate poor data quality at this position in the gnomAD database. This missense change has been observed in individuals with maturity-onset diabetes of the young (PMID: 12574234, 24097065, 36257325, 36504295; internal data). ClinVar contains an entry for this variant (Variation ID: 14945). Invitae Evidence Modeling of protein sequence and biophysical properties (such as structural, functional, and spatial information, amino acid conservation, physicochemical variation, residue mobility, and thermodynamic stability) indicates that this missense variant is not expected to disrupt HNF1A protein function with a negative predictive value of 80%. Experimental studies have shown that this missense change affects HNF1A function (PMID: 12574234, 32910913). In summary, the currently available evidence indicates that the variant is pathogenic, but additional data are needed to prove that conclusively. Therefore, this variant has been classified as Likely Pathogenic.

Genetic Services Laboratory, University of Chicago
Classification: Likely pathogenic. Last evaluated: 2021-06-14. Review status: criteria provided, single submitter. Criteria: ACMG Guidelines, 2015. Collection method: clinical testing. Allele origin: germline. Affected: yes. Not counted in ClinVar's aggregate classification.
Comment: DNA sequence analysis of the HNF1A gene demonstrated a sequence change, c.827C>A, in exon 4 that results in an amino acid change, p.Ala276Asp. This sequence change has been described in gnomAD with a low frequency of 0.013% in the African/African American sub-population (dbSNP rs137853245). The p.Ala276Asp change affects a highly conserved amino acid residue located in a domain of the HNF1A protein that is known to be functional. The p.Ala276Asp substitution appears to be damaging using several in-silico pathogenicity prediction tools (SIFT, PolyPhen2, REVEL). This particular sequence change has been previously reported in an individual with HNF1A-related diabetes (PMID: 12574234). A different amino acid change at this same positon (p.Ala276Gly) has also been reported in individuals with HNF1A-related diabetes (PMIDs: 18003757, 24097065, 27899486). Functional studies have demonstrated that the p.Ala276Asp variant may slightly impact protein function (PMID: 12574234). In summary this sequence change has been interpreted as likely pathogenic.

Seattle Children's Hospital Molecular Genetics Laboratory, Seattle Children's Hospital
Classification: Pathogenic for Hyperinsulinism due to HNF1A deficiency. Last evaluated: 2020-01-31. Review status: criteria provided, single submitter. Criteria: ACMG Guidelines, 2015. Collection method: clinical testing. Allele origin: germline. Affected: yes. Not counted in ClinVar's aggregate classification.
Comment: The p.Ala276Asp variant replaces the alanine with aspartic acid at position 276 of the protein. This variant has previously been reported as pathogenic in two individuals diagnosed with MODY (PMID: 12574234, 24097065). The p.Ala276Asp is not a common variant in the general population (observed in 2 of 248,546 alleles in the Genome Aggregation Database). This variant has been interpreted as likely pathogenic by an outside laboratory (ClinVar Variation ID: 29984). In silico tools predict this alteration is damaging (DANN, MutationTaster, SIFT). Further supporting pathogenicity, a different missense change at the same residue (p.Ala276Gly) has been reported in an individual with MODY (NBK500456).

Broad Center for Mendelian Genomics, Broad Institute of MIT and Harvard
Classification: Uncertain significance for Monogenic diabetes. Last evaluated: 2020-01-22. Review status: criteria provided, single submitter. Criteria: ACMG Guidelines, 2015. Collection method: curation. Allele origin: germline. Inheritance: Autosomal dominant inheritance. Not counted in ClinVar's aggregate classification.
Comment: The p.Ala276Asp variant in HNF1A has been reported in at least 2 individuals with monogenic diabetes (PMID: 18003757, 12574234), and has been identified in 0.01% (2/15696) of African chromosomes by the Genome Aggregation Database (gnomAD; dbSNP rs137853245). Please note that for diseases with clinical variability, or reduced penetrance, pathogenic variants may be present at a low frequency in the general population. This variant has also been reported in ClinVar as likely pathogenic and pathogenic (Variation ID#: rs137853245). In vitro functional studies provide some evidence that the p.Ala276Asp variant may slightly impact protein function (PMID: 12574234). However, these types of assays may not accurately represent biological function. In summary, while there is some suspicion for a pathogenic role, the clinical significance of this variant is uncertain. ACMG/AMP Criteria applied: PM2_supporting, PP3, PS3_supporting, PS4_supporting (Richards 2015).

OMIM
Classification: Pathogenic for MATURITY-ONSET DIABETES OF THE YOUNG, TYPE 3. Last evaluated: 2003-02-01. Review status: no assertion criteria provided. Collection method: literature only. Allele origin: germline. Not counted in ClinVar's aggregate classification.

Literature cited by the submitters: PubMed 12574234 (cited by 3 submitters); PubMed 24097065 (cited by Labcorp Genetics (formerly Invitae), Labcorp); PubMed 36257325 (cited by Labcorp Genetics (formerly Invitae), Labcorp); PubMed 36504295 (cited by Labcorp Genetics (formerly Invitae), Labcorp); PubMed 32910913 (cited by Labcorp Genetics (formerly Invitae), Labcorp); PubMed 18003757 (cited by Broad Center for Mendelian Genomics, Broad Institute of MIT and Harvard).